The following is an entry in ClinVar:

ClinVar aggregate classification (germline): Likely benign. Review status: criteria provided, multiple submitters, no conflicts (2 of 4 stars). 2 submissions from 2 submitters: Likely benign (2). Last evaluated 2026-07-01.

Conditions:
Glutathione synthetase deficiency with 5-oxoprolinuria. Also called: 5-OXOPROLINURIA DUE TO GLUTATHIONE SYNTHETASE DEFICIENCY; Reduced glutathione synthetase level; 5-Oxoprolinuria; Gluthathione synthetase deficiency; PYROGLUTAMIC ACIDURIA. Identifiers: Orphanet 289846, MedGen C0398746, MONDO:0009947, OMIM 266130, HP:0003343.

Submissions (2):

CeGaT Center for Human Genetics Tuebingen
Classification: Likely benign. Last evaluated: 2026-07-01. Review status: criteria provided, single submitter. Criteria: CeGaT Center For Human Genetics Tuebingen Variant Classification Criteria Version 2. Collection method: clinical testing. Allele origin: germline. Affected: yes. Observed: 1 variant allele.
Comment: GSS: BP4, BP7

Labcorp Genetics (formerly Invitae), Labcorp
Classification: Likely benign for Glutathione synthetase deficiency with 5-oxoprolinuria. Last evaluated: 2026-01-06. Review status: criteria provided, single submitter. Criteria: Invitae Variant Classification Sherloc (09022015). Collection method: clinical testing. Allele origin: germline.

NM_000178.4(GSS):c.66C>T (p.Ala22=)

Gene: GSS (glutathione synthetase; minus strand). Cytogenetic location: 20q11.22.
Variant type: single nucleotide variant.
Coding change: c.66C>T on transcript NM_000178.4 (MANE Select); coding-DNA position 66, C replaced by T.
Protein change: p.Ala22=; no amino-acid change (alanine 22 retained).
Molecular consequence: synonymous variant.
Genome position (GRCh38, 1-based): chr20:34,951,787, G>A on the plus strand (C>T on the coding strand, the complement: GSS is on the minus strand). VCF-style: chr20-34951787-G-A. GRCh37 (hg19) VCF-style: chr20-33539590-G-A.
Other names: c.66C>T, p.Ala22= (NM_001322494.1, NM_001322495.1).
Identifiers: ClinVar variation 2740219 (VCV002740219.4), dbSNP rs138365665, ClinGen allele CA9826199.